The following is an entry in ClinVar:

NM_001267550.2(TTN):c.39546del (p.Val13183fs)

Gene: TTN (titin; minus strand). Cytogenetic location: 2q31.2.
Variant type: Deletion.
Coding change: c.39546del on transcript NM_001267550.2 (MANE Select); coding-DNA position 39546, one base deleted (A; older notation c.39546delA).
Protein change: p.Val13183fs; shifts the reading frame from valine 13183.
Molecular consequence: frameshift variant. On other transcripts: intron variant (3).
Genome position (GRCh38, 1-based): chr2:178,651,454, T deleted on the plus strand (A on the coding strand, the reverse complement: TTN is on the minus strand); the first of 3 consecutive T bases (chr2:178,651,454-178,651,456); deleting any one gives the same sequence. VCF-style (leftmost placement, unchanged base first): chr2-178651453-CT-C. GRCh37 (hg19) VCF-style: chr2-179516180-CT-C.
Other names: c.39546del (NM_001267550.1); c.35025del, p.Val11676fs (NM_001256850.1); c.39544delA, p.Val13183Cysfs (NM_001267550.1); c.32244del, p.Val10749fs (NM_133378.4); c.13283-9137del (NM_003319.4); c.13859-9137del (NM_133437.4); c.13658-9137del (NM_133432.3); short protein forms V10749fs, V11676fs, V13183fs.
Identifiers: ClinVar variation 2936582 (VCV002936582.4), dbSNP rs2062941991, ClinGen allele CA1039717438.

ClinVar aggregate classification (germline): Likely pathogenic. Review status: criteria provided, multiple submitters, no conflicts (2 of 4 stars). 2 submissions from 2 submitters: Likely pathogenic (2). Last evaluated 2024-12-09.

Conditions:
Dilated cardiomyopathy 1G (CMD1G). Identifiers: Orphanet 154, MedGen C1858763, MONDO:0011400, OMIM 604145.
Autosomal recessive limb-girdle muscular dystrophy type 2J (LGMDR10). Also called: Limb-girdle muscular dystrophy, type 2J; MUSCULAR DYSTROPHY, LIMB-GIRDLE, AUTOSOMAL RECESSIVE 10. Identifiers: Orphanet 140922, MedGen C1837342, MONDO:0012127, OMIM 608807.

Submissions (2):

Labcorp Genetics (formerly Invitae), Labcorp
Classification: Likely pathogenic for Dilated cardiomyopathy 1G; Autosomal recessive limb-girdle muscular dystrophy type 2J. Last evaluated: 2024-12-09. Review status: criteria provided, single submitter. Criteria: Invitae Variant Classification Sherloc (09022015). Collection method: clinical testing. Allele origin: germline.
Comment: This sequence change creates a premature translational stop signal (p.Val13183Cysfs*14) in the TTN gene. While this is not anticipated to result in nonsense mediated decay, it is expected to create a truncated TTN protein. This variant is not present in population databases (gnomAD no frequency). This variant has not been reported in the literature in individuals affected with TTN-related conditions. ClinVar contains an entry for this variant (Variation ID: 2936582). This variant is located in the I band of TTN (PMID: 25589632). Truncating variants in this region have been reported in individuals affected with autosomal recessive centronuclear myopathy (PMID: 23975875, internal data). Truncating variants in this region have also been identified in individuals affected with autosomal dominant dilated cardiomyopathy and/or cardio-related conditions (PMID: 27869827, 32964742, internal data). In summary, the currently available evidence indicates that the variant is pathogenic, but additional data are needed to prove that conclusively. Therefore, this variant has been classified as Likely Pathogenic.

GeneDx
Classification: Likely pathogenic. Last evaluated: 2023-12-01. Review status: criteria provided, single submitter. Criteria: GeneDx Variant Classification Process June 2021. Collection method: clinical testing. Allele origin: germline. Affected: yes.
Comment: Frameshift variant predicted to result in protein truncation or nonsense mediated decay in a region of a gene for which loss of function is not a well-established mechanism of disease; Not observed at significant frequency in large population cohorts (gnomAD); Has not been previously published as pathogenic or benign to our knowledge

Literature cited by the submitters: PubMed 25589632 (cited by Labcorp Genetics (formerly Invitae), Labcorp); PubMed 23975875 (cited by Labcorp Genetics (formerly Invitae), Labcorp); PubMed 27869827 (cited by Labcorp Genetics (formerly Invitae), Labcorp); PubMed 32964742 (cited by Labcorp Genetics (formerly Invitae), Labcorp).